The following is an entry in ClinVar:

ClinVar aggregate classification (germline): Conflicting classifications of pathogenicity. Review status: criteria provided, conflicting classifications (1 of 4 stars). 3 submissions from 3 submitters: Likely pathogenic (2); Uncertain significance (1). Last evaluated 2025-09-25.

Conditions:
Propionic acidemia (PROP). Also called: GLYCINEMIA, KETOTIC; HYPERGLYCINEMIA WITH KETOACIDOSIS AND LEUKOPENIA; KETOTIC HYPERGLYCINEMIA. Identifiers: Orphanet 35, MedGen C0268579, MONDO:0011628, OMIM 606054, HP:0003571.

Allele frequency attached by ClinVar (database versions not stated): gnomAD exomes below 0.00001.
gnomAD v4.1: 1 of 1,614,158 alleles (0.000062%); highest among the groups gnomAD compares: Non-Finnish European, 0.000085%; no homozygotes.

Submissions (3):

Natera, Inc.
Classification: Likely pathogenic for Propionic acidemia. Last evaluated: 2025-09-25. Review status: criteria provided, single submitter. Criteria: Natera Variant Classification Schema (03/2026). Collection method: clinical testing. Allele origin: germline.
Comment: The c.773A>G variant in PCCB is a missense variant predicted to cause substitution of histidine to arginine at amino acid 258. This variant is rare in the general population with a frequency below the threshold expected for the associated phenotype(s). This variant has been observed in one or more individuals affected with the associated recessive disease, as either homozygous or compound heterozygous with a second variant (PMID: 19342984). This variant has been identified in one or more affected individual with a phenotype highly consistent with the associated gene (PMID: 19342984). Computational prediction algorithms indicate this variant is likely to affect gene or protein function. Given the available evidence, this variant is classified as Likely Pathogenic.

Fulgent Genetics
Classification: Likely pathogenic for Propionic acidemia. Last evaluated: 2024-06-03. Review status: criteria provided, single submitter. Criteria: ACMG Guidelines, 2015. Collection method: clinical testing. Allele origin: germline.

Women's Health and Genetics/Laboratory Corporation of America, LabCorp
Classification: Uncertain significance. Last evaluated: 2023-04-28. Review status: criteria provided, single submitter. Criteria: LabCorp Variant Classification Summary - May 2015. Collection method: clinical testing. Allele origin: germline.
Comment: Variant summary: PCCB c.773A>G (p.His258Arg) results in a non-conservative amino acid change located in the Acetyl-coenzyme A carboxyltransferase, N-terminal domain (IPR011762) of the encoded protein sequence. Five of five in-silico tools predict a damaging effect of the variant on protein function. The variant was absent in 251474 control chromosomes (gnomAD). The available data on variant occurrences in the general population are insufficient to allow any conclusion about variant significance. c.773A>G has been reported in the literature in individuals affected with Propionic Acidemia (example: de Keyzer_2009). This report does not provide unequivocal conclusions about association of the variant with Propionic Acidemia. To our knowledge, no experimental evidence demonstrating an impact on protein function has been reported. The following publication has been ascertained in the context of this evaluation (PMID: 19342984). No clinical diagnostic laboratories have submitted clinical-significance assessments for this variant to ClinVar after 2014. Based on the evidence outlined above, the variant was classified as uncertain significance.

Literature cited by the submitters: PubMed 19342984 (cited by Natera, Inc. and Women's Health and Genetics/Laboratory Corporation of America, LabCorp).

NM_000532.5(PCCB):c.773A>G (p.His258Arg)

Gene: PCCB (propionyl-CoA carboxylase subunit beta; plus strand). Cytogenetic location: 3q22.3.
Variant type: single nucleotide variant.
Coding change: c.773A>G on transcript NM_000532.5 (MANE Select); coding-DNA position 773, A replaced by G.
Protein change: p.His258Arg; replaces histidine 258 with arginine.
Molecular consequence: missense variant.
Genome position (GRCh38, 1-based): chr3:136,297,961, A>G. VCF-style: chr3-136297961-A-G. GRCh37 (hg19) VCF-style: chr3-136016803-A-G.
Other names: c.833A>G, p.His278Arg (NM_001178014.2); c.773A>G (NM_000532.4); short protein forms H258R, H278R.
Identifiers: ClinVar variation 2503935 (VCV002503935.3), dbSNP rs2529877254, ClinGen allele CA354644391.